The following is an entry in ClinVar:

ClinVar aggregate classification (germline): Uncertain significance (1 of 4 stars; one submission).

Conditions:
Hereditary cancer-predisposing syndrome. Also called: Tumor predisposition; Neoplastic Syndromes, Hereditary; Hereditary neoplastic syndrome; Hereditary Cancer Syndrome. Identifiers: Orphanet 140162, MedGen C0027672, MeSH D009386, MONDO:0015356.

Submission:

Ambry Genetics
Classification: Uncertain significance for Hereditary cancer-predisposing syndrome. Last evaluated: 2024-07-09. Review status: criteria provided, single submitter. Criteria: Ambry Variant Classification Scheme 2023. Collection method: clinical testing. Allele origin: germline.
Comment: The p.M214V variant (also known as c.640A>G), located in coding exon 3 of the TMEM127 gene, results from an A to G substitution at nucleotide position 640. The methionine at codon 214 is replaced by valine, an amino acid with highly similar properties. This amino acid position is conserved. In addition, this alteration is predicted to be deleterious by in silico analysis. Based on the available evidence, the clinical significance of this variant remains unclear.

NM_017849.4(TMEM127):c.640A>G (p.Met214Val)

Gene: TMEM127 (transmembrane protein 127; minus strand). Cytogenetic location: 2q11.2.
Variant type: single nucleotide variant.
Coding change: c.640A>G on transcript NM_017849.4 (MANE Select); coding-DNA position 640, A replaced by G.
Protein change: p.Met214Val; replaces methionine 214 with valine.
Molecular consequence: missense variant.
Genome position (GRCh38, 1-based): chr2:96,253,885, T>C on the plus strand (A>G on the coding strand, the complement: TMEM127 is on the minus strand). VCF-style: chr2-96253885-T-C. GRCh37 (hg19) VCF-style: chr2-96919623-T-C.
Other names: c.640A>G, p.Met214Val (NM_001193304.3); c.388A>G, p.Met130Val (NM_001407282.1, NM_001407283.1); short protein forms M214V, M130V.
Identifiers: ClinVar variation 3457595 (VCV003457595.1).